The following is an entry in ClinVar:

NM_001378454.1(ALMS1):c.20del (p.Pro7fs)

Gene: ALMS1 (ALMS1 centrosome and basal body associated protein; plus strand). Cytogenetic location: 2p13.1.
Variant type: Deletion.
Coding change: c.20del on transcript NM_001378454.1 (MANE Select); coding-DNA position 20, one base deleted (C; older notation c.20delC).
Protein change: p.Pro7fs; shifts the reading frame from proline 7.
Molecular consequence: frameshift variant.
Genome position (GRCh38, 1-based): chr2:73,385,888, C deleted; the last of 2 consecutive C bases (chr2:73,385,887-73,385,888); deleting either gives the same sequence. VCF-style (leftmost placement, unchanged base first): chr2-73385886-GC-G. GRCh37 (hg19) VCF-style: chr2-73613014-GC-G.
Other names: c.20delC (NM_015120.4); c.20del, p.Pro7fs (NM_015120.4); short protein forms P7fs.
Identifiers: ClinVar variation 558032 (VCV000558032.8), dbSNP rs1340135231, ClinGen allele CA658822791.

ClinVar aggregate classification (germline): Pathogenic. Review status: criteria provided, single submitter (1 of 4 stars). 2 submissions from 2 submitters: Pathogenic (1). 1 of the submissions does not count toward it. Last evaluated 2025-05-11.

Conditions:
Alstrom syndrome (ALMS). Identifiers: Orphanet 64, MedGen C0268425, MONDO:0008763, OMIM 203800.

Submissions (2):

Labcorp Genetics (formerly Invitae), Labcorp
Classification: Pathogenic for Alstrom syndrome. Last evaluated: 2025-05-11. Review status: criteria provided, single submitter. Criteria: Invitae Variant Classification Sherloc (09022015). Collection method: clinical testing. Allele origin: germline.
Comment: This sequence change creates a premature translational stop signal (p.Pro7Hisfs*35) in the ALMS1 gene. It is expected to result in an absent or disrupted protein product. Loss-of-function variants in ALMS1 are known to be pathogenic (PMID: 17594715). This variant is not present in population databases (gnomAD no frequency). This variant has not been reported in the literature in individuals affected with ALMS1-related conditions. ClinVar contains an entry for this variant (Variation ID: 558032). For these reasons, this variant has been classified as Pathogenic.

Counsyl
Classification: Likely pathogenic for Alstrom syndrome. Last evaluated: 2018-05-01. Review status: no assertion criteria provided. Collection method: clinical testing. Allele origin: unknown. Not counted in ClinVar's aggregate classification.

Literature cited by the submitters: PubMed 17594715 (cited by Labcorp Genetics (formerly Invitae), Labcorp).